The following is an entry in ClinVar:

ClinVar aggregate classification (germline): Benign. Review status: criteria provided, multiple submitters, no conflicts (2 of 4 stars). 3 submissions from 3 submitters: Benign (3). Last evaluated 2021-05-04.

Allele frequency attached by ClinVar (database versions not stated): ESP Exome Variant Server 0.96252; gnomAD 0.96600 and 0.96695; TOPMed 0.96886; ExAC 0.97327; 1000 Genomes Project 30x 0.98173; 1000 Genomes Project 0.98223.
gnomAD v4.1: 1,477,933 of 1,546,402 alleles (96%); highest among the groups gnomAD compares: East Asian, 100%; 706,541 homozygotes.

Submissions (3):

GeneDx
Classification: Benign. Last evaluated: 2021-05-04. Review status: criteria provided, single submitter. Criteria: GeneDx Variant Classification Process June 2021. Collection method: clinical testing. Allele origin: germline. Affected: yes.

Laboratory for Molecular Medicine, Mass General Brigham Personalized Medicine
Classification: Benign. Last evaluated: 2016-03-28. Review status: criteria provided, single submitter. Criteria: LMM Criteria. Collection method: clinical testing. Allele origin: germline.
Comment: Variant identified in a genome or exome case(s) and assessed due to predicted null impact of the variant or pathogenic assertions in the literature or databases. Disclaimer: This variant has not undergone full assessment. The following are preliminary notes: MAF

Breakthrough Genomics
Classification: Benign. Review status: criteria provided, single submitter. Criteria: ACMG Guidelines, 2015. Collection method: not provided. Allele origin: germline. Inheritance: Unknown mechanism. Affected: yes.

NM_001370.2(DNAH6):c.6372A>G (p.Leu2124=)

Gene: DNAH6 (dynein axonemal heavy chain 6; plus strand). Cytogenetic location: 2p11.2.
Variant type: single nucleotide variant.
Coding change: c.6372A>G on transcript NM_001370.2 (MANE Select); coding-DNA position 6372, A replaced by G.
Protein change: p.Leu2124=; no amino-acid change (leucine 2124 retained).
Molecular consequence: synonymous variant.
Genome position (GRCh38, 1-based): chr2:84,670,393, A>G. VCF-style: chr2-84670393-A-G. GRCh37 (hg19) VCF-style: chr2-84897517-A-G.
Identifiers: ClinVar variation 402740 (VCV000402740.7), dbSNP rs1881095, ClinGen allele CA1737302.